The following is an entry in ClinVar:

NM_003718.5(CDK13):c.2714G>A (p.Gly905Asp)

Gene: CDK13 (cyclin dependent kinase 13; plus strand). Cytogenetic location: 7p14.1.
Variant type: single nucleotide variant.
Coding change: c.2714G>A on transcript NM_003718.5 (MANE Select); coding-DNA position 2714, G replaced by A.
Protein change: p.Gly905Asp; replaces glycine 905 with aspartic acid.
Molecular consequence: missense variant.
Genome position (GRCh38, 1-based): chr7:40,063,034, G>A. VCF-style: chr7-40063034-G-A. GRCh37 (hg19) VCF-style: chr7-40102633-G-A.
Other names: c.2714G>A, p.Gly905Asp (NM_031267.4); short protein forms G905D.
Identifiers: ClinVar variation 1367595 (VCV001367595.8), dbSNP rs988587142, ClinGen allele CA157249694.

ClinVar aggregate classification (germline): Uncertain significance (1 of 4 stars; one submission).

Submission:

Labcorp Genetics (formerly Invitae), Labcorp
Classification: Uncertain significance. Last evaluated: 2021-01-29. Review status: criteria provided, single submitter. Criteria: Invitae Variant Classification Sherloc (09022015). Collection method: clinical testing. Allele origin: germline.
Comment: This variant has not been reported in the literature in individuals with CDK13-related conditions. In summary, the available evidence is currently insufficient to determine the role of this variant in disease. Therefore, it has been classified as a Variant of Uncertain Significance. Advanced modeling of protein sequence and biophysical properties (such as structural, functional, and spatial information, amino acid conservation, physicochemical variation, residue mobility, and thermodynamic stability) performed at Invitae indicates that this missense variant is expected to disrupt CDK13 protein function. This variant is not present in population databases (ExAC no frequency). This sequence change replaces glycine with aspartic acid at codon 905 of the CDK13 protein (p.Gly905Asp). The glycine residue is highly conserved and there is a moderate physicochemical difference between glycine and aspartic acid.